The following is an entry in ClinVar:

NM_000104.4(CYP1B1):c.1093G>T (p.Gly365Trp)

Gene: CYP1B1 (cytochrome P450 family 1 subfamily B member 1; minus strand). Cytogenetic location: 2p22.2.
Variant type: single nucleotide variant.
Coding change: c.1093G>T on transcript NM_000104.4 (MANE Select); coding-DNA position 1093, G replaced by T.
Protein change: p.Gly365Trp; replaces glycine 365 with tryptophan.
Molecular consequence: missense variant.
Genome position (GRCh38, 1-based): chr2:38,071,261, C>A on the plus strand (G>T on the coding strand, the complement: CYP1B1 is on the minus strand). VCF-style: chr2-38071261-C-A. GRCh37 (hg19) VCF-style: chr2-38298404-C-A.
Other names: NM_000104.4(CYP1B1):c.1093G>T; short protein forms G365W.
Identifiers: ClinVar variation 7732 (VCV000007732.2), dbSNP rs55771538, ClinGen allele CA254238.

ClinVar aggregate classification (germline): Likely pathogenic. Review status: reviewed by expert panel (3 of 4 stars). 2 submissions from 2 submitters: Likely pathogenic (1). 1 of the submissions does not count toward it. Last evaluated 2025-11-19.

Conditions:
CYP1B1-related glaucoma with or without anterior segment dysgenesis. Identifiers: MedGen CN375931, MONDO:0800472.
Glaucoma 3A. Also called: Glaucoma 3, primary congenital, A. Identifiers: Orphanet 98976, Orphanet 98977, MedGen C1856439, MONDO:0009277, OMIM 231300.

Allele frequency attached by ClinVar (database versions not stated): gnomAD exomes below 0.00001.

Submissions (2):

ClinGen Glaucoma Variant Curation Expert Panel
Classification: Likely pathogenic for CYP1B1-related glaucoma with or without anterior segment dysgenesis. Last evaluated: 2025-11-19. Review status: reviewed by expert panel. Criteria: ClinGen CYP1B1 ACMG Specifications V1 Approved. Collection method: curation. Allele origin: germline. Inheritance: Autosomal recessive inheritance.
Comment: The c.1093G>T variant in CYP1B1 is a missense variant predicted to cause substitution of Glycine by Tryptophan at amino acid 365 (p.Gly365Trp). This missense variant is located in the I-helix, meeting PM1_Supporting. The highest minor allele frequency of this variant was in the European (non-Finnish) genetic ancestry group of gnomAD (v4.1.0) = 0.000007627 (9 alleles out of 1,180,044), which met the ≤ 0.0005 threshold set for PM2_Supporting in a genetic ancestry group of at least 2,000 alleles. The REVEL score = 0.917, which was within the 0.773-0.931 range for PP3_Moderate, predicting a damaging effect on CYP1B1 function. A previous study (PMID: 12807732) demonstrated that the Gly365Trp protein had reduced Benzo[a]pyrene Activity levels compared to wild type CYP1B1 protein and met the OddsPath threshold for PS3_Supporting (> 2.1), indicating that this variant did impact protein function. 1 affected segregation with a CYP1B1-related phenotype has been reported (PMID: 9497261), which fulfilled PP1. This variant has been identified in an individual with a CYP1B1-related phenotype. Total proband points = 0.5, meeting PM3_Supporting. One confirmed de novo proband with PCG has been identified (PMID: 9497261). Total de novo points = 1, meeting PS2_Moderate. In summary, this variant met the criteria to receive a score of 9 and to be classified as likely pathogenic (likely pathogenic classification range 6 to 9, adapted from PMID: 32720330) for CYP1B1-related glaucoma with or without anterior segment dysgenesis (ASD) based on the ACMG/AMP criteria met, as specified by the ClinGen Glaucoma VCEP (v1.0, 06.11.2025): PS2_Moderate, PP3_Moderate, PP1, PS3_Supporting, PM1_Supporting, PM2_Supporting, PM3_Supporting.

OMIM
Classification: Pathogenic for GLAUCOMA 3, PRIMARY CONGENITAL, A. Last evaluated: 1998-03-01. Review status: no assertion criteria provided. Collection method: literature only. Allele origin: germline. Not counted in ClinVar's aggregate classification.

Literature cited by the submitters: PubMed 9497261 (cited by OMIM).